The following is an entry in ClinVar:

NM_001395413.1(POR):c.1231G>T (p.Glu411Ter)

Gene: POR (cytochrome p450 oxidoreductase; plus strand). Cytogenetic location: 7q11.23.
Variant type: single nucleotide variant.
Coding change: c.1231G>T on transcript NM_001395413.1 (MANE Select); coding-DNA position 1231, G replaced by T.
Protein change: p.Glu411Ter; replaces glutamic acid 411 with a stop codon.
Molecular consequence: nonsense.
Genome position (GRCh38, 1-based): chr7:75,984,950, G>T. VCF-style: chr7-75984950-G-T. GRCh37 (hg19) VCF-style: chr7-75614268-G-T.
Other names: c.1240G>T, p.Glu414Ter (NM_000941.2, NM_000941.3); c.1231G>T, p.Glu411Ter (NM_001367562.3, NM_001382657.2, NM_001382658.3 and 2 more transcripts); c.1285G>T, p.Glu429Ter (NM_001382655.3); short protein forms E414*, E411*, E429*.
Identifiers: ClinVar variation 2845754 (VCV002845754.3), dbSNP rs782579716, ClinGen allele CA367749527.

ClinVar aggregate classification (germline): Pathogenic (1 of 4 stars; one submission).

Conditions:
Congenital adrenal hyperplasia due to cytochrome P450 oxidoreductase deficiency. Also called: DISORDERED STEROIDOGENESIS DUE TO POR DEFICIENCY. Identifiers: Orphanet 95699, MedGen C1860042, MONDO:0013310, OMIM 613571.

Submission:

Labcorp Genetics (formerly Invitae), Labcorp
Classification: Pathogenic for Congenital adrenal hyperplasia due to cytochrome P450 oxidoreductase deficiency. Last evaluated: 2023-04-06. Review status: criteria provided, single submitter. Criteria: Invitae Variant Classification Sherloc (09022015). Collection method: clinical testing. Allele origin: germline.
Comment: This sequence change creates a premature translational stop signal (p.Glu414*) in the POR gene. It is expected to result in an absent or disrupted protein product. Loss-of-function variants in POR are known to be pathogenic (PMID: 14758361, 20732302, 21741353). This variant is not present in population databases (gnomAD no frequency). This variant has not been reported in the literature in individuals affected with POR-related conditions. For these reasons, this variant has been classified as Pathogenic.

Literature cited by the submitters: PubMed 14758361; PubMed 20732302; PubMed 21741353.